The following is an entry in ClinVar:

ClinVar aggregate classification (germline): Pathogenic (1 of 4 stars; one submission).

Conditions:
Neurofibromatosis, type 1 (NF1). Also called: Neurofibromatosis, type I; Peripheral type neurofibromatosis; VON RECKLINGHAUSEN DISEASE; NEUROFIBROMATOSIS, TYPE I, SOMATIC. Identifiers: Orphanet 636, MedGen C0027831, MONDO:0018975, OMIM 162200. Disease mechanism: loss of function.

Submission:

Labcorp Genetics (formerly Invitae), Labcorp
Classification: Pathogenic for Neurofibromatosis, type 1. Last evaluated: 2021-11-01. Review status: criteria provided, single submitter. Criteria: Invitae Variant Classification Sherloc (09022015). Collection method: clinical testing. Allele origin: germline.
Comment: This sequence change affects a donor splice site in intron 52 of the NF1 gene. RNA analysis indicates that disruption of this splice site induces altered splicing and may result in an absent or disrupted protein product. For these reasons, this variant has been classified as Pathogenic. Studies have shown that disruption of this splice site results in skipping of exon 52 (also known as exon 44) and introduces a premature termination codon (PMID: 18546366). The resulting mRNA is expected to undergo nonsense-mediated decay. ClinVar contains an entry for this variant (Variation ID: 968591). Disruption of this splice site has been observed in individual(s) with neurofibromatosis type 1 (PMID: 18546366, 26056819; Invitae). This variant is not present in population databases (gnomAD no frequency).

Literature cited by the submitters: PubMed 18546366; PubMed 26056819.

NM_001042492.3(NF1):c.7869+1G>C

Gene: NF1 (neurofibromin 1; plus strand). Cytogenetic location: 17q11.2.
Variant type: single nucleotide variant.
Coding change: c.7869+1G>C on transcript NM_001042492.3 (MANE Select); the canonical splice donor site of the intron after coding-DNA position 7869, G replaced by C.
Molecular consequence: splice donor variant.
Genome position (GRCh38, 1-based): chr17:31,357,091, G>C. VCF-style: chr17-31357091-G-C. GRCh37 (hg19) VCF-style: chr17-29684109-G-C.
Other names: c.7806+1G>C (NM_000267.4).
Identifiers: ClinVar variation 968591 (VCV000968591.7), dbSNP rs1329683225, ClinGen allele CA399018723.
Genomic context (GRCh38, chr17:31,357,091, plus strand): 5'-CTCTTGGATGAAGAAGTACTTACTGATCCGAAGATCCAGGCGCTGCTTCTTACTGTTCTA[G>C]TAAGGATTTCCCCTTTTTGAGTCCCCCACCCTCAAATTTTTATTCCAGTCTACTTTTAGG-3'